The following is an entry in ClinVar:

ClinVar aggregate classification (germline): Uncertain significance (1 of 4 stars; one submission).

Conditions:
MOGS-congenital disorder of glycosylation. Also called: CDG IIb; GLUCOSIDASE I DEFICIENCY; MOGS-CDG; CDG 2B. Identifiers: Orphanet 79330, MedGen C1853736, MONDO:0011629, OMIM 606056.

Allele frequency attached by ClinVar (database versions not stated): gnomAD exomes 0.00001.
gnomAD v4.1: 7 of 1,614,160 alleles (0.00043%); highest among the groups gnomAD compares: East Asian, 0.0089%; no homozygotes.

Submission:

Labcorp Genetics (formerly Invitae), Labcorp
Classification: Uncertain significance for MOGS-congenital disorder of glycosylation. Last evaluated: 2018-12-18. Review status: criteria provided, single submitter. Criteria: Invitae Variant Classification Sherloc (09022015). Collection method: clinical testing. Allele origin: germline.
Comment: Algorithms developed to predict the effect of missense changes on protein structure and function are either unavailable or do not agree on the potential impact of this missense change (SIFT: "Tolerated"; PolyPhen-2: "Possibly Damaging"; Align-GVGD: "Class C0"). This sequence change replaces valine with alanine at codon 673 of the MOGS protein (p.Val673Ala). The valine residue is moderately conserved and there is a small physicochemical difference between valine and alanine. This variant is not present in population databases (ExAC no frequency). This variant has not been reported in the literature in individuals with MOGS-related conditions. In summary, the available evidence is currently insufficient to determine the role of this variant in disease. Therefore, it has been classified as a Variant of Uncertain Significance.

NM_006302.3(MOGS):c.2018T>C (p.Val673Ala)

Gene: MOGS (mannosyl-oligosaccharide glucosidase; minus strand). Cytogenetic location: 2p13.1.
Variant type: single nucleotide variant.
Coding change: c.2018T>C on transcript NM_006302.3 (MANE Select); coding-DNA position 2018, T replaced by C.
Protein change: p.Val673Ala; replaces valine 673 with alanine.
Molecular consequence: missense variant.
Genome position (GRCh38, 1-based): chr2:74,461,771, A>G on the plus strand (T>C on the coding strand, the complement: MOGS is on the minus strand). VCF-style: chr2-74461771-A-G. GRCh37 (hg19) VCF-style: chr2-74688898-A-G.
Other names: c.2018T>C, p.Val673Ala (LRG_1226t1); c.1700T>C, p.Val567Ala (NM_001146158.2); short protein forms V567A, V673A.
Identifiers: ClinVar variation 649181 (VCV000649181.9), dbSNP rs1572919630, ClinGen allele CA347368523.